The following is an entry in ClinVar:

ClinVar aggregate classification (germline): Pathogenic (1 of 4 stars; one submission).

Conditions:
Neurodevelopmental disorder with hypotonia, stereotypic hand movements, and impaired language. Also called: Intellectual disability, autosomal dominant 20. Identifiers: Orphanet 228384, Orphanet 664410, MedGen C3150700, MONDO:0013266, OMIM 613443.

Submission:

Greenwood Genetic Center Diagnostic Laboratories, Greenwood Genetic Center
Classification: Pathogenic for Neurodevelopmental disorder with hypotonia, stereotypic hand movements, and impaired language. Last evaluated: 2023-05-31. Review status: criteria provided, single submitter. Criteria: ACMG Guidelines, 2015. Collection method: clinical testing. Allele origin: germline. Affected: yes.
Comment: PVS1, PS2, PM2

NM_002397.5(MEF2C):c.210delinsTAC (p.Glu71fs)

Gene: MEF2C (myocyte enhancer factor 2C; minus strand). Cytogenetic location: 5q14.3.
Variant type: Indel.
Coding change: c.210delinsTAC on transcript NM_002397.5 (MANE Select); coding-DNA position 210, G replaced by TAC.
Protein change: p.Glu71fs; shifts the reading frame from glutamic acid 71.
Molecular consequence: frameshift variant.
Genome position (GRCh38, 1-based): chr5:88,804,646, C replaced by GTA on the plus strand (G replaced by TAC on the coding strand, the reverse complement: MEF2C is on the minus strand). VCF-style: chr5-88804646-C-GTA. GRCh37 (hg19) VCF-style: chr5-88100463-C-GTA.
Other names: c.210delinsTAC, p.Glu71fs (NM_001364343.2, NM_001364344.2, NM_001364345.2 and 29 more transcripts); short protein forms E71fs.
Identifiers: ClinVar variation 2572241 (VCV002572241.1), dbSNP rs2531279048, ClinGen allele CA2580612759.